The following is an entry in ClinVar:

NM_001376013.1(EPB41):c.1918dup (p.Thr640fs)

Gene: EPB41 (erythrocyte membrane protein band 4.1; plus strand). Cytogenetic location: 1p35.3.
Variant type: Duplication.
Coding change: c.1918dup on transcript NM_001376013.1 (MANE Select); coding-DNA position 1918, one base duplicated (A; older notation c.1918dupA).
Protein change: p.Thr640fs; shifts the reading frame from threonine 640.
Molecular consequence: frameshift variant. On other transcripts: intron variant (11).
Genome position (GRCh38, 1-based): chr1:29,058,826, A duplicated; the last of 6 consecutive A bases (chr1:29,058,821-29,058,826); duplicating any one gives the same sequence. VCF-style (leftmost placement, unchanged base first): chr1-29058820-G-GA. GRCh37 (hg19) VCF-style: chr1-29385332-G-GA.
Other names: c.1918dup, p.Thr640fs (NM_001166005.2, NM_001376016.1, NM_001376017.1 and 1 more transcripts); c.1915dup, p.Thr639fs (NM_001376018.1, NM_001376020.1); c.1291dup, p.Thr431fs (NM_001376022.1, NM_001376023.1, NM_001376024.1 and 1 more transcripts); c.1275+181dup (NM_203342.3); c.1740+5514dup (NM_203343.3); c.1219-1596dup (NM_004437.4); c.1218+5514dup (NM_001166007.2, NM_001376027.1); c.1272+181dup (NM_001376026.1); and 3 more; short protein forms T431fs, T639fs, T640fs.
Identifiers: ClinVar variation 5037974 (VCV005037974.2).
Genomic context (GRCh38, chr1:29,058,820, plus strand): 5'-ATGAGCAACATTTTATCATTTTTCTTTCTTTTTTAAATTATGGCAAAACAGAAGCTTGCA[G>GA]AAAAAACTGAAGATCTGATAAGAATGAGGAAGGTTAGCCATTTTTCACTTTCACAAAACT-3'

ClinVar aggregate classification (germline): Likely pathogenic (1 of 4 stars; one submission).

Conditions:
Elliptocytosis 1 (EL1). Also called: PROTEIN 4.1 OF ERYTHROCYTE MEMBRANE, DEFECT OF; 4.1- TRAIT; 4.1-MINUS TRAIT; ELLIPTOCYTOSIS, RHESUS-LINKED TYPE. Identifiers: Orphanet 288, MedGen C2678497, MONDO:0012731, OMIM 611804.

Submission:

Juno Genomics, Hangzhou Juno Genomics, Inc
Classification: Likely pathogenic for Elliptocytosis 1. Review status: criteria provided, single submitter. Criteria: ACMG Guidelines, 2015. Collection method: clinical testing. Allele origin: germline.
Comment: Absent from controls (or at extremely low frequency if recessive) in Genome Aggregation Database.;Null variant in a gene where loss of function (LOF) is a known mechanism of disease.